The following is an entry in ClinVar:

ClinVar aggregate classification (germline): Benign. Review status: criteria provided, multiple submitters, no conflicts (2 of 4 stars). 3 submissions from 3 submitters: Benign (2). 1 of the submissions does not count toward it. Last evaluated 2026-02-01.

Allele frequency attached by ClinVar (database versions not stated): gnomAD 0.02128 and 0.02183; 1000 Genomes Project 0.00978; ExAC 0.02266; 1000 Genomes Project 30x 0.01109; gnomAD exomes 0.02989 and 0.02129; TOPMed 0.02025; ESP Exome Variant Server 0.02384.
gnomAD v4.1: 46,563 of 1,614,060 alleles (2.9%); highest among the groups gnomAD compares: Non-Finnish European, 3.5%; 829 homozygotes.

Submissions (3):

Labcorp Genetics (formerly Invitae), Labcorp
Classification: Benign. Last evaluated: 2026-02-01. Review status: criteria provided, single submitter. Criteria: Invitae Variant Classification Sherloc (09022015). Collection method: clinical testing. Allele origin: germline.

Breakthrough Genomics
Classification: Benign. Review status: criteria provided, single submitter. Criteria: ACMG Guidelines, 2015. Collection method: not provided. Allele origin: germline. Inheritance: Autosomal recessive inheritance. Affected: yes.

Genetic Services Laboratory, University of Chicago
Classification: Likely benign for AllHighlyPenetrant. Review status: no assertion criteria provided. Collection method: clinical testing. Allele origin: germline. Inheritance: Autosomal recessive inheritance. Not counted in ClinVar's aggregate classification.
Comment: Likely benign based on allele frequency in 1000 Genomes Project or ESP global frequency and its presence in a patient with a rare or unrelated disease phenotype. NOT Sanger confirmed.

NM_020987.5(ANK3):c.11685C>T (p.Ser3895=)

Gene: ANK3 (ankyrin 3; minus strand). Cytogenetic location: 10q21.2.
Variant type: single nucleotide variant.
Coding change: c.11685C>T on transcript NM_020987.5 (MANE Select); coding-DNA position 11685, C replaced by T.
Protein change: p.Ser3895=; no amino-acid change (serine 3895 retained).
Molecular consequence: synonymous variant. On other transcripts: intron variant (4).
Genome position (GRCh38, 1-based): chr10:60,069,196, G>A on the plus strand (C>T on the coding strand, the complement: ANK3 is on the minus strand). VCF-style: chr10-60069196-G-A. GRCh37 (hg19) VCF-style: chr10-61828954-G-A.
Other names: c.4388-1187C>T (NM_001204403.2); c.4409-1187C>T (NM_001204404.2); c.4406-1187C>T (NM_001320874.2); c.1808-1187C>T (NM_001149.4).
Identifiers: ClinVar variation 128361 (VCV000128361.15), dbSNP rs7923682, ClinGen allele CA151769.
Genomic context (GRCh38, chr10:60,069,196, plus strand): 5'-CACTGGAATTCTGGACTTTACATCTACACATGAAGAAGTAGTAAGGGCTTTGGTTTTCTC[G>A]GATTGACTAACCTGCTTCATTTTACTTGCTTTAGTGTTTGACATATGGTTCGGTGGGAAG-3'
Protein context (NP_066267.2, residues 3885-3905): KASKMKQVSQ[Ser3895=]EKTKALTTSS